The following is an entry in ClinVar:

ClinVar aggregate classification (germline): Uncertain significance (1 of 4 stars; one submission).

Conditions:
Early-onset Parkinson disease 20. Also called: PARKINSON DISEASE 20, AUTOSOMAL RECESSIVE EARLY-ONSET. Identifiers: Orphanet 391411, MedGen C3809824, MONDO:0014233, OMIM 615530.
Developmental and epileptic encephalopathy, 53. Also called: Epileptic encephalopathy, early infantile, 53. Identifiers: MedGen C4479313, MONDO:0033362, OMIM 617389.

gnomAD v4.1: 3 of 1,613,662 alleles (0.00019%); highest among the groups gnomAD compares: East Asian, 0.0067%; no homozygotes.

Submission:

Labcorp Genetics (formerly Invitae), Labcorp
Classification: Uncertain significance for Developmental and epileptic encephalopathy, 53; Early-onset Parkinson disease 20. Last evaluated: 2022-02-27. Review status: criteria provided, single submitter. Criteria: Invitae Variant Classification Sherloc (09022015). Collection method: clinical testing. Allele origin: germline.
Comment: In summary, the available evidence is currently insufficient to determine the role of this variant in disease. Therefore, it has been classified as a Variant of Uncertain Significance. Algorithms developed to predict the effect of missense changes on protein structure and function are either unavailable or do not agree on the potential impact of this missense change (SIFT: "Deleterious"; PolyPhen-2: "Possibly Damaging"; Align-GVGD: "Class C0"). ClinVar contains an entry for this variant (Variation ID: 1002142). This variant has not been reported in the literature in individuals affected with SYNJ1-related conditions. This variant is not present in population databases (gnomAD no frequency). This sequence change replaces glycine, which is neutral and non-polar, with glutamic acid, which is acidic and polar, at codon 1226 of the SYNJ1 protein (p.Gly1226Glu).

NM_203446.3(SYNJ1):c.3560G>A (p.Gly1187Glu)

Gene: SYNJ1 (synaptojanin 1; minus strand). Cytogenetic location: 21q22.11.
Variant type: single nucleotide variant.
Coding change: c.3560G>A on transcript NM_203446.3 (MANE Select); coding-DNA position 3560, G replaced by A.
Protein change: p.Gly1187Glu; replaces glycine 1187 with glutamic acid.
Molecular consequence: missense variant.
Genome position (GRCh38, 1-based): chr21:32,641,924, C>T on the plus strand (G>A on the coding strand, the complement: SYNJ1 is on the minus strand). VCF-style: chr21-32641924-C-T. GRCh37 (hg19) VCF-style: chr21-34014234-C-T.
Other names: c.3512G>A, p.Gly1171Glu (NM_001160302.2); c.3419G>A, p.Gly1140Glu (NM_001160306.2); c.3677G>A, p.Gly1226Glu (NM_003895.4); short protein forms G1140E, G1171E, G1187E, G1226E.
Identifiers: ClinVar variation 1002142 (VCV001002142.9), dbSNP rs1601244421, ClinGen allele CA410065519.